The following is an entry in ClinVar:

ClinVar aggregate classification (germline): Uncertain significance (1 of 4 stars; one submission).

gnomAD v4.1: 2 of 1,602,256 alleles (0.00012%); highest among the groups gnomAD compares: Non-Finnish European, 0.00017%; no homozygotes.

Submission:

Labcorp Genetics (formerly Invitae), Labcorp
Classification: Uncertain significance. Last evaluated: 2025-06-20. Review status: criteria provided, single submitter. Criteria: Invitae Variant Classification Sherloc (09022015). Collection method: clinical testing. Allele origin: germline.
Comment: This sequence change replaces leucine, which is neutral and non-polar, with phenylalanine, which is neutral and non-polar, at codon 396 of the LRRC56 protein (p.Leu396Phe). The frequency data for this variant in the population databases is considered unreliable, as metrics indicate poor data quality at this position in the gnomAD database. This variant has not been reported in the literature in individuals affected with LRRC56-related conditions. Invitae Evidence Modeling of protein sequence and biophysical properties (such as structural, functional, and spatial information, amino acid conservation, physicochemical variation, residue mobility, and thermodynamic stability) indicates that this missense variant is not expected to disrupt LRRC56 protein function with a negative predictive value of 80%. In summary, the available evidence is currently insufficient to determine the role of this variant in disease. Therefore, it has been classified as a Variant of Uncertain Significance.

NM_198075.4(LRRC56):c.1186C>T (p.Leu396Phe)

Gene: LRRC56 (leucine rich repeat containing 56; plus strand). Cytogenetic location: 11p15.5.
Variant type: single nucleotide variant.
Coding change: c.1186C>T on transcript NM_198075.4 (MANE Select); coding-DNA position 1186, C replaced by T.
Protein change: p.Leu396Phe; replaces leucine 396 with phenylalanine.
Molecular consequence: missense variant.
Genome position (GRCh38, 1-based): chr11:552,573, C>T. VCF-style: chr11-552573-C-T. GRCh37 (hg19) VCF-style: chr11-552573-C-T.
Other names: c.1186C>T, p.Leu396Phe (NM_001441283.1, NM_001441284.1); c.1009C>T, p.Leu337Phe (NM_001441285.1, NM_001441286.1); short protein forms L337F, L396F.
Identifiers: ClinVar variation 4806901 (VCV004806901.1).
Genomic context (GRCh38, chr11:552,573, plus strand): 5'-TGTCCTGTCCCGTGGGGGGATCAGGGCTGGAGCTTCTCCTCCTCTCCCCACCCTAGCCCC[C>T]TCCCCTATAGGCACCCGGAGTCCCAACAGGAAGGGGCTGTAGCCCCCTGGGGCCCACGGA-3'
Protein context (NP_932341.1, residues 386-406): RAWREHGVRP[Leu396Phe]PYRHPESQQE